The following is an entry in ClinVar:

ClinVar aggregate classification (germline): Pathogenic/Likely pathogenic. Review status: criteria provided, multiple submitters, no conflicts (2 of 4 stars). 2 submissions from 2 submitters: Pathogenic (1); Likely pathogenic (1). Last evaluated 2024-06-07.

Conditions:
Mucopolysaccharidosis, MPS-II (MPS2). Also called: Attenuated MPS (subtype; formerly known as mild MPS II); Severe MPS II; I2S deficiency; MPS 2; Hunter Syndrome; IDURONATE 2-SULFATASE DEFICIENCY. Identifiers: Orphanet 580, Orphanet 79388, MedGen C0026705, MONDO:0010674, OMIM 309900.

Submissions (2):

Laboratory of Diagnosis and Therapy of Lysosomal Disorders, University of Padova
Classification: Likely pathogenic for Mucopolysaccharidosis, MPS-II. Last evaluated: 2024-06-07. Review status: criteria provided, single submitter. Criteria: ACMG Guidelines, 2015. Collection method: literature only. Allele origin: germline. Affected: yes. Observed: 1 variant allele.
Comment: Located in a mutational hot spot and/or critical functional domain (PM1_Moderate), Absent from controls (or at low frequency) in gnomAD database (PM2_Moderate), Missense change at the same amino acid residue as a pathogenic variant (PM5_Moderate), Missense variant in a gene with a low rate of benign missense variation (PP2_Supporting), Multiple lines of computational evidence support a deleterious effect (PP3_Supporting), Patient’s phenotype or family history highly specific for the disease (PP4_Moderate)

Classification method: ACMG Guidelines [PMID:25741868] with modifications

Foundation for Research in Genetics and Endocrinology, FRIGE's Institute of Human Genetics
Classification: Pathogenic for Mucopolysaccharidosis, MPS-II. Last evaluated: 2023-04-13. Review status: criteria provided, single submitter. Criteria: ACMG Guidelines, 2015. Collection method: clinical testing. Allele origin: germline. Inheritance: X-linked recessive inheritance. Affected: yes. Observed: 1 hemizygote.
Comment: A Hemizygous missense variation in exon 2 of the IDS gene that results in the amino acid substitution of Glycine for Aspartic acid at codon 45 was detected. The observed variant c.134A>G (p.Asp45Gly) has not been reported in the 1000 genomes and gnomAD databases. The in silico prediction of the variant are possibly damaging by PolyPhen-2, SIFT, FATHMM and MutationTaster2. The reference codon is conserved across species. In summary, the variant meets our criteria to be classified as pathogenic.

Literature cited by the submitters: PubMed 24125893 (cited by Laboratory of Diagnosis and Therapy of Lysosomal Disorders, University of Padova).

NM_000202.8(IDS):c.134A>G (p.Asp45Gly)

Gene: IDS (iduronate 2-sulfatase; minus strand). Cytogenetic location: Xq28.
Variant type: single nucleotide variant.
Coding change: c.134A>G on transcript NM_000202.8 (MANE Select); coding-DNA position 134, A replaced by G.
Protein change: p.Asp45Gly; replaces aspartic acid 45 with glycine.
Molecular consequence: missense variant. On other transcripts: 5 prime UTR variant (1), non-coding transcript variant (1).
Genome position (GRCh38, 1-based): chrX:149,504,263, T>C on the plus strand (A>G on the coding strand, the complement: IDS is on the minus strand). VCF-style: chrX-149504263-T-C. GRCh37 (hg19) VCF-style: chrX-148585793-T-C.
Other names: p.Asp45Gly; c.-93A>G (NM_001166550.4); c.134A>G, p.Asp45Gly (NM_006123.5); short protein forms D45G.
Identifiers: ClinVar variation 2498324 (VCV002498324.3), dbSNP rs2520901934, ClinGen allele CA414527795.